The following is an entry in ClinVar:

ClinVar aggregate classification (germline): Uncertain significance. Review status: criteria provided, multiple submitters, no conflicts (2 of 4 stars). 4 submissions from 4 submitters: Uncertain significance (4). Last evaluated 2025-07-08.

Conditions:
Hereditary cancer-predisposing syndrome. Also called: Neoplastic Syndromes, Hereditary; Tumor predisposition; Hereditary neoplastic syndrome; Hereditary Cancer Syndrome. Identifiers: Orphanet 140162, MedGen C0027672, MeSH D009386, MONDO:0015356.
Familial cancer of breast. Also called: BREAST CANCER, FAMILIAL; Hereditary breast cancer; hereditary breast carcinoma. Identifiers: Orphanet 227535, MedGen C0346153, MONDO:0016419, OMIM 114480. Disease mechanism: loss of function.

Allele frequency attached by ClinVar (database versions not stated): gnomAD exomes below 0.00001.
gnomAD v4.1: 1 of 1,614,034 alleles (0.000062%); highest among the groups gnomAD compares: Non-Finnish European, 0.000085%; no homozygotes.

Submissions (4):

Labcorp Genetics (formerly Invitae), Labcorp
Classification: Uncertain significance for Familial cancer of breast. Last evaluated: 2025-07-08. Review status: criteria provided, single submitter. Criteria: Invitae Variant Classification Sherloc (09022015). Collection method: clinical testing. Allele origin: germline.
Comment: This sequence change replaces proline, which is neutral and non-polar, with serine, which is neutral and polar, at codon 388 of the PALB2 protein (p.Pro388Ser). This variant is not present in population databases (gnomAD no frequency). This variant has not been reported in the literature in individuals affected with PALB2-related conditions. ClinVar contains an entry for this variant (Variation ID: 628804). Invitae Evidence Modeling of protein sequence and biophysical properties (such as structural, functional, and spatial information, amino acid conservation, physicochemical variation, residue mobility, and thermodynamic stability) indicates that this missense variant is not expected to disrupt PALB2 protein function with a negative predictive value of 80%. In summary, the available evidence is currently insufficient to determine the role of this variant in disease. Therefore, it has been classified as a Variant of Uncertain Significance.

Color Diagnostics, LLC DBA Color Health
Classification: Uncertain significance for Hereditary cancer-predisposing syndrome. Last evaluated: 2023-12-04. Review status: criteria provided, single submitter. Criteria: ACMG Guidelines, 2015. Collection method: clinical testing. Allele origin: germline.
Comment: This missense variant replaces proline with serine at codon 388 of the PALB2 protein. Computational prediction suggests that this variant may not impact protein structure and function (internally defined REVEL score threshold <= 0.5, PMID: 27666373). To our knowledge, functional studies have not been reported for this variant. This variant has not been reported in individuals affected with PALB2-related disorders in the literature. This variant has not been identified in the general population by the Genome Aggregation Database (gnomAD). The available evidence is insufficient to determine the role of this variant in disease conclusively. Therefore, this variant is classified as a Variant of Uncertain Significance.

Ambry Genetics
Classification: Uncertain significance for Hereditary cancer-predisposing syndrome. Last evaluated: 2023-10-16. Review status: criteria provided, single submitter. Criteria: Ambry Variant Classification Scheme 2023. Collection method: clinical testing. Allele origin: germline.
Comment: The p.P388S variant (also known as c.1162C>T), located in coding exon 4 of the PALB2 gene, results from a C to T substitution at nucleotide position 1162. The proline at codon 388 is replaced by serine, an amino acid with similar properties. This amino acid position is conserved. In addition, this alteration is predicted to be tolerated by in silico analysis. Since supporting evidence is limited at this time, the clinical significance of this alteration remains unclear.

GeneDx
Classification: Uncertain significance. Last evaluated: 2021-01-07. Review status: criteria provided, single submitter. Criteria: GeneDx Variant Classification Process June 2021. Collection method: clinical testing. Allele origin: germline. Affected: yes.
Comment: Not observed in large population cohorts (Lek et al., 2016); In silico analysis supports that this missense variant has a deleterious effect on protein structure/function; Has not been previously published as pathogenic or benign to our knowledge

NM_024675.4(PALB2):c.1162C>T (p.Pro388Ser)

Gene: PALB2 (partner and localizer of BRCA2; minus strand). Cytogenetic location: 16p12.2.
Variant type: single nucleotide variant.
Coding change: c.1162C>T on transcript NM_024675.4 (MANE Select); coding-DNA position 1162, C replaced by T.
Protein change: p.Pro388Ser; replaces proline 388 with serine.
Molecular consequence: missense variant.
Genome position (GRCh38, 1-based): chr16:23,635,384, G>A on the plus strand (C>T on the coding strand, the complement: PALB2 is on the minus strand). VCF-style: chr16-23635384-G-A. GRCh37 (hg19) VCF-style: chr16-23646705-G-A.
Other names: short protein forms P388S.
Identifiers: ClinVar variation 628804 (VCV000628804.13), dbSNP rs1567221468, ClinGen allele CA395133478.